The following is an entry in ClinVar:

NM_000051.4(ATM):c.4905T>C (p.Ser1635=)

Gene: ATM (ATM serine/threonine kinase; plus strand). Cytogenetic location: 11q22.3.
Variant type: single nucleotide variant.
Coding change: c.4905T>C on transcript NM_000051.4 (MANE Select); coding-DNA position 4905, T replaced by C.
Protein change: p.Ser1635=; no amino-acid change (serine 1635 retained).
Molecular consequence: synonymous variant.
Genome position (GRCh38, 1-based): chr11:108,295,055, T>C. VCF-style: chr11-108295055-T-C. GRCh37 (hg19) VCF-style: chr11-108165782-T-C.
Other names: c.4905T>C, p.Ser1635= (NM_001351834.2).
Identifiers: ClinVar variation 3253986 (VCV003253986.1), dbSNP rs2135838207.

ClinVar aggregate classification (germline): Benign (1 of 4 stars; one submission).

Conditions:
Familial cancer of breast. Also called: BREAST CANCER, FAMILIAL; Hereditary breast cancer; hereditary breast carcinoma. Identifiers: Orphanet 227535, MedGen C0346153, MONDO:0016419, OMIM 114480. Disease mechanism: loss of function.

Submission:

Myriad Genetics, Inc.
Classification: Benign for Familial cancer of breast. Last evaluated: 2024-05-21. Review status: criteria provided, single submitter. Criteria: Myriad Autosomal Dominant, Autosomal Recessive and X-Linked Classification Criteria (2023). Collection method: clinical testing. Allele origin: unknown.
Comment: This variant is considered benign. This variant is a silent/synonymous amino acid change and it is not expected to impact splicing.